The following is an entry in ClinVar:

NM_001110556.2(FLNA):c.4667A>T (p.Asn1556Ile)

Gene: FLNA (filamin A; minus strand). Cytogenetic location: Xq28.
Variant type: single nucleotide variant.
Coding change: c.4667A>T on transcript NM_001110556.2 (MANE Select); coding-DNA position 4667, A replaced by T.
Protein change: p.Asn1556Ile; replaces asparagine 1556 with isoleucine.
Molecular consequence: missense variant.
Genome position (GRCh38, 1-based): chrX:154,358,287, T>A on the plus strand (A>T on the coding strand, the complement: FLNA is on the minus strand). VCF-style: chrX-154358287-T-A. GRCh37 (hg19) VCF-style: chrX-153586655-T-A.
Other names: c.4667A>T, p.Asn1556Ile (NM_001456.4); c.4667A>T (NM_001110556.1); short protein forms N1556I.
Identifiers: ClinVar variation 4953600 (VCV004953600.2).

ClinVar aggregate classification (germline): Uncertain significance. Review status: criteria provided, multiple submitters, no conflicts (2 of 4 stars). 2 submissions from 2 submitters: Uncertain significance (2). Last evaluated 2026-02-18.

Conditions:
FLNA-related disorder.

gnomAD v4.1: 4 of 1,211,042 alleles (0.00033%); highest among the groups gnomAD compares: Non-Finnish European, 0.00045%; no homozygotes.

Submissions (2):

PreventionGenetics, part of Exact Sciences
Classification: Uncertain significance for FLNA-related condition. Last evaluated: 2026-02-18. Review status: criteria provided, single submitter. Criteria: ACMG Guidelines, 2015. Collection method: clinical testing. Allele origin: germline.
Comment: The FLNA c.4667A>T variant is predicted to result in the amino acid substitution p.Asn1556Ile. To our knowledge, this variant has not been reported in the literature or in a large population database (gnomAD), indicating this variant is rare. At this time, the clinical significance of this variant is uncertain due to the absence of conclusive functional and genetic evidence.

Blueprint Genetics
Classification: Uncertain significance. Last evaluated: 2024-07-26. Review status: criteria provided, single submitter. Criteria: ACMG Guidelines, 2015. Collection method: clinical testing. Allele origin: germline.